The following is an entry in ClinVar:

ClinVar aggregate classification (germline): Uncertain significance (1 of 4 stars; one submission).

Submission:

Labcorp Genetics (formerly Invitae), Labcorp
Classification: Uncertain significance. Last evaluated: 2021-07-12. Review status: criteria provided, single submitter. Criteria: Invitae Variant Classification Sherloc (09022015). Collection method: clinical testing. Allele origin: germline.
Comment: This variant, c.3528_3529insGGCAGCAGC, results in the insertion of 3 amino acid(s) to the PCDH12 protein (p.Gly1176_Ser1177insGlySerSer), but otherwise preserves the integrity of the reading frame. This variant is present in population databases (rs760844126, ExAC 0.01%). This variant has not been reported in the literature in individuals with PCDH12-related conditions. Experimental studies and prediction algorithms are not available or were not evaluated, and the functional significance of this variant is currently unknown. In summary, the available evidence is currently insufficient to determine the role of this variant in disease. Therefore, it has been classified as a Variant of Uncertain Significance.

NM_016580.4(PCDH12):c.3528_3529insGGCAGCAGC (p.Gly1176_Ser1177insGlySerSer)

Gene: PCDH12 (protocadherin 12; minus strand). Cytogenetic location: 5q31.3.
Variant type: Microsatellite.
Coding change: c.3528_3529insGGCAGCAGC on transcript NM_016580.4 (MANE Select); coding-DNA positions 3528 to 3529, GGCAGCAGC inserted.
Protein change: p.Gly1176_Ser1177insGlySerSer.
Molecular consequence: inframe insertion.
Genome position: GRCh38 VCF-style: chr5-141945407-T-TGCTGCTGCC. GRCh37 (hg19) VCF-style: chr5-141324972-T-TGCTGCTGCC.
Identifiers: ClinVar variation 1433268 (VCV001433268.9), dbSNP rs760844126.